The following is an entry in ClinVar:

ClinVar aggregate classification (germline): Uncertain significance (1 of 4 stars; one submission).

Submission:

GeneDx
Classification: Uncertain significance. Last evaluated: 2021-10-04. Review status: criteria provided, single submitter. Criteria: GeneDx Variant Classification Process June 2021. Collection method: clinical testing. Allele origin: germline. Affected: yes.
Comment: Not observed at significant frequency in large population cohorts (Lek et al., 2016); In silico analysis supports that this missense variant has a deleterious effect on protein structure/function; Has not been previously published as pathogenic or benign to our knowledge.

NM_001009944.3(PKD1):c.6382A>T (p.Asn2128Tyr)

Gene: PKD1 (polycystin 1, transient receptor potential channel interacting; minus strand). Cytogenetic location: 16p13.3.
Variant type: single nucleotide variant.
Coding change: c.6382A>T on transcript NM_001009944.3 (MANE Select); coding-DNA position 6382, A replaced by T.
Protein change: p.Asn2128Tyr; replaces asparagine 2128 with tyrosine.
Molecular consequence: missense variant.
Genome position (GRCh38, 1-based): chr16:2,108,785, T>A on the plus strand (A>T on the coding strand, the complement: PKD1 is on the minus strand). VCF-style: chr16-2108785-T-A. GRCh37 (hg19) VCF-style: chr16-2158786-T-A.
Other names: c.6382A>T, p.Asn2128Tyr (NM_000296.4); short protein forms N2128Y.
Identifiers: ClinVar variation 1313848 (VCV001313848.2), dbSNP rs2151788281, ClinGen allele CA394373669.